The following is an entry in ClinVar:

ClinVar aggregate classification (germline): Likely benign (1 of 4 stars; one submission).

Allele frequency attached by ClinVar (database versions not stated): ExAC 0.00714; gnomAD exomes 0.00772; 1000 Genomes Project 0.00240; 1000 Genomes Project 30x 0.00250; TOPMed 0.00549; gnomAD 0.00614; ESP Exome Variant Server 0.00692.

Submission:

CeGaT Center for Human Genetics Tuebingen
Classification: Likely benign. Last evaluated: 2022-11-01. Review status: criteria provided, single submitter. Criteria: CeGaT Center For Human Genetics Tuebingen Variant Classification Criteria Version 2. Collection method: clinical testing. Allele origin: germline. Affected: yes. Observed: 1 variant allele.
Comment: SLC20A1: BP4, BP7, BS2

NM_005415.5(SLC20A1):c.408A>C (p.Ala136=)

Gene: SLC20A1 (solute carrier family 20 member 1; plus strand). Cytogenetic location: 2q14.1.
Variant type: single nucleotide variant.
Coding change: c.408A>C on transcript NM_005415.5 (MANE Select); coding-DNA position 408, A replaced by C.
Protein change: p.Ala136=; no amino-acid change (alanine 136 retained).
Molecular consequence: synonymous variant.
Genome position (GRCh38, 1-based): chr2:112,647,397, A>C. VCF-style: chr2-112647397-A-C. GRCh37 (hg19) VCF-style: chr2-113404974-A-C.
Identifiers: ClinVar variation 2651282 (VCV002651282.24), dbSNP rs139798830, ClinGen allele CA1835758.
Genomic context (GRCh38, chr2:112,647,397, plus strand): 5'-GCAACTCGTGGCTTCGTTTTTGAAGCTCCCTATTTCTGGAACCCATTGTATTGTTGGTGC[A>C]ACTATTGGTTTCTCCCTCGTGGCAAAGGGGCAGGAGGGTGTCAAGTGGTCTGAACTGATA-3'
Protein context (NP_005406.3, residues 126-146): PISGTHCIVG[Ala136=]TIGFSLVAKG